The following is an entry in ClinVar:

NM_001283009.2(RTEL1):c.3700C>T (p.Pro1234Ser)

Genes: RTEL1 (regulator of telomere elongation helicase 1; plus strand), RTEL1-TNFRSF6B (RTEL1-TNFRSF6B readthrough (NMD candidate); plus strand). Cytogenetic location: 20q13.33.
Variant type: single nucleotide variant.
Coding change: c.3700C>T on transcript NM_001283009.2 (MANE Select); coding-DNA position 3700, C replaced by T.
Protein change: p.Pro1234Ser; replaces proline 1234 with serine.
Molecular consequence: missense variant. On other transcripts: non-coding transcript variant (1), intron variant (3).
Genome position (GRCh38, 1-based): chr20:63,695,528, C>T. VCF-style: chr20-63695528-C-T. GRCh37 (hg19) VCF-style: chr20-62326881-C-T.
Other names: c.2983+48C>T (NM_001283010.1); c.3724+48C>T (NM_032957.5); c.3652+48C>T (NM_016434.4); short protein forms P1234S.
Identifiers: ClinVar variation 1102500 (VCV001102500.10), dbSNP rs1207345139, ClinGen allele CA409686535.

ClinVar aggregate classification (germline): Conflicting classifications of pathogenicity. Review status: criteria provided, conflicting classifications (1 of 4 stars). 2 submissions from 2 submitters: Uncertain significance (1); Likely benign (1). Last evaluated 2025-03-12.

Conditions:
Dyskeratosis congenita, autosomal recessive 5 (DKCB5). Identifiers: MedGen C3554656, MONDO:0014076, OMIM 615190.
Pulmonary fibrosis and/or bone marrow failure, Telomere-related, 3. Also called: PULMONARY FIBROSIS AND/OR BONE MARROW FAILURE SYNDROME, TELOMERE-RELATED, 3. Identifiers: Orphanet 2032, MedGen C4225346, MONDO:0014613, OMIM 616373.
Inborn genetic diseases. Identifiers: MedGen C0950123, MeSH D030342.

Allele frequency attached by ClinVar (database versions not stated): gnomAD exomes below 0.00001; TOPMed below 0.00001.
gnomAD v4.1: 7 of 1,612,278 alleles (0.00043%); highest among the groups gnomAD compares: Non-Finnish European, 0.00059%; no homozygotes.

Submissions (2):

Ambry Genetics
Classification: Uncertain significance for Inborn genetic diseases. Last evaluated: 2025-03-12. Review status: criteria provided, single submitter. Criteria: Ambry Variant Classification Scheme 2023. Collection method: clinical testing. Allele origin: germline.
Comment: The p.P1234S variant (also known as c.3700C>T), located in coding exon 33 of the RTEL1 gene, results from a C to T substitution at nucleotide position 3700. The proline at codon 1234 is replaced by serine, an amino acid with similar properties. This amino acid position is conserved. In addition, this alteration is predicted to be tolerated by in silico analysis. Based on the available evidence, the clinical significance of this variant remains unclear.

Labcorp Genetics (formerly Invitae), Labcorp
Classification: Likely benign for Dyskeratosis congenita, autosomal recessive 5; Pulmonary fibrosis and/or bone marrow failure, Telomere-related, 3. Last evaluated: 2024-02-16. Review status: criteria provided, single submitter. Criteria: Invitae Variant Classification Sherloc (09022015). Collection method: clinical testing. Allele origin: germline.